The following is an entry in ClinVar:

ClinVar aggregate classification (germline): Conflicting classifications of pathogenicity. Review status: criteria provided, conflicting classifications (1 of 4 stars). 2 submissions from 2 submitters: Uncertain significance (1); Likely benign (1). Last evaluated 2025-09-08.

Conditions:
Lymphoproliferative syndrome 1 (LPFS1). Identifiers: Orphanet 238505, Orphanet 538963, MedGen C3552634, MONDO:0013081, OMIM 613011.
Inborn genetic diseases. Identifiers: MedGen C0950123, MeSH D030342.

Allele frequency attached by ClinVar (database versions not stated): gnomAD 0.00001; TOPMed 0.00001.
gnomAD v4.1: 2 of 1,612,382 alleles (0.00012%); highest among the groups gnomAD compares: Non-Finnish European, 0.00017%; no homozygotes.

Submissions (2):

Labcorp Genetics (formerly Invitae), Labcorp
Classification: Uncertain significance for Lymphoproliferative syndrome 1. Last evaluated: 2025-09-08. Review status: criteria provided, single submitter. Criteria: Invitae Variant Classification Sherloc (09022015). Collection method: clinical testing. Allele origin: germline.
Comment: This sequence change replaces aspartic acid, which is acidic and polar, with histidine, which is basic and polar, at codon 359 of the ITK protein (p.Asp359His). This variant is not present in population databases (gnomAD no frequency). This variant has not been reported in the literature in individuals affected with ITK-related conditions. ClinVar contains an entry for this variant (Variation ID: 1024741). Invitae Evidence Modeling of protein sequence and biophysical properties (such as structural, functional, and spatial information, amino acid conservation, physicochemical variation, residue mobility, and thermodynamic stability) indicates that this missense variant is not expected to disrupt ITK protein function with a negative predictive value of 80%. In summary, the available evidence is currently insufficient to determine the role of this variant in disease. Therefore, it has been classified as a Variant of Uncertain Significance.

Ambry Genetics
Classification: Likely benign for Inborn genetic diseases. Last evaluated: 2023-02-16. Review status: criteria provided, single submitter. Criteria: Ambry Variant Classification Scheme 2023. Collection method: clinical testing. Allele origin: germline.

NM_005546.4(ITK):c.1075G>C (p.Asp359His)

Gene: ITK (IL2 inducible T cell kinase; plus strand). Cytogenetic location: 5q33.3.
Variant type: single nucleotide variant.
Coding change: c.1075G>C on transcript NM_005546.4 (MANE Select); coding-DNA position 1075, G replaced by C.
Protein change: p.Asp359His; replaces aspartic acid 359 with histidine.
Molecular consequence: missense variant.
Genome position (GRCh38, 1-based): chr5:157,243,637, G>C. VCF-style: chr5-157243637-G-C. GRCh37 (hg19) VCF-style: chr5-156670647-G-C.
Other names: c.1075G>C (NM_005546.3); short protein forms D359H.
Identifiers: ClinVar variation 1024741 (VCV001024741.10), dbSNP rs760908622, ClinGen allele CA361959732.
Genomic context (GRCh38, chr5:157,243,637, plus strand): 5'-TATCTACTGCTTGCTGACCCCAGAGAACTCTCTCTCTCTCTTCCAGGGAAATGGGTGATC[G>C]ACCCCTCAGAGCTCACTTTTGTGCAAGAGATTGGCAGTGGGCAATTTGGGTTGGTGCATC-3'
Protein context (NP_005537.3, residues 349-369): AGLRYGKWVI[Asp359His]PSELTFVQEI